The following is an entry in ClinVar:

NM_005045.4(RELN):c.8430C>A (p.Phe2810Leu)

Genes: SLC26A5-AS1 (SLC26A5 antisense RNA 1; plus strand), RELN (reelin; minus strand). Cytogenetic location: 7q22.1.
Variant type: single nucleotide variant.
Coding change: c.8430C>A on transcript NM_005045.4 (MANE Select); coding-DNA position 8430, C replaced by A.
Protein change: p.Phe2810Leu; replaces phenylalanine 2810 with leucine.
Molecular consequence: missense variant.
Genome position (GRCh38, 1-based): chr7:103,503,075, G>T on the plus strand (C>A on the coding strand, the complement: RELN is on the minus strand). VCF-style: chr7-103503075-G-T. GRCh37 (hg19) VCF-style: chr7-103143522-G-T.
Other names: c.8430C>A, p.Phe2810Leu (NM_173054.3); short protein forms F2810L.
Identifiers: ClinVar variation 1713391 (VCV001713391.5), dbSNP rs2484714913, ClinGen allele CA368756926.
Genomic context (GRCh38, chr7:103,503,075, plus strand): 5'-CTTTCCCACTAAGCTTTCAGGAAGTGGGTAGGTGATCCTTTTCCACCCTTTAGTTGGAAA[G>T]AATACAGATGGCTGAGAAACACTTCCAGAGCATTTTGGGTCAGCAGGCAAGCACTGAGGG-3'
Protein context (NP_005036.2, residues 2800-2820): CSGSVSQPSV[Phe2810Leu]FPTKGWKRIT

ClinVar aggregate classification (germline): Uncertain significance (1 of 4 stars; one submission).

Conditions:
Familial temporal lobe epilepsy 7. Identifiers: Orphanet 101046, MedGen C4225327, MONDO:0014639, OMIM 616436.
Norman-Roberts syndrome (LIS2). Also called: Lissencephaly 2 (Norman-Roberts type). Identifiers: Orphanet 89844, MedGen C0796089, MONDO:0009760, OMIM 257320.

Submission:

Labcorp Genetics (formerly Invitae), Labcorp
Classification: Uncertain significance for Familial temporal lobe epilepsy 7; Norman-Roberts syndrome. Last evaluated: 2022-07-22. Review status: criteria provided, single submitter. Criteria: Invitae Variant Classification Sherloc (09022015). Collection method: clinical testing. Allele origin: germline.
Comment: In summary, the available evidence is currently insufficient to determine the role of this variant in disease. Therefore, it has been classified as a Variant of Uncertain Significance. Algorithms developed to predict the effect of missense changes on protein structure and function are either unavailable or do not agree on the potential impact of this missense change (SIFT: "Deleterious"; PolyPhen-2: "Benign"; Align-GVGD: "Class C0"). This variant has not been reported in the literature in individuals affected with RELN-related conditions. This variant is not present in population databases (gnomAD no frequency). This sequence change replaces phenylalanine, which is neutral and non-polar, with leucine, which is neutral and non-polar, at codon 2810 of the RELN protein (p.Phe2810Leu).